The following is an entry in ClinVar:

ClinVar aggregate classification (germline): Uncertain significance (1 of 4 stars; one submission).

Conditions:
Hereditary cancer-predisposing syndrome. Also called: Neoplastic Syndromes, Hereditary; Tumor predisposition; Hereditary neoplastic syndrome; Hereditary Cancer Syndrome. Identifiers: Orphanet 140162, MedGen C0027672, MeSH D009386, MONDO:0015356.

Submission:

Ambry Genetics
Classification: Uncertain significance for Hereditary cancer-predisposing syndrome. Last evaluated: 2025-08-21. Review status: criteria provided, single submitter. Criteria: Ambry Variant Classification Scheme 2023. Collection method: clinical testing. Allele origin: germline.
Comment: The c.700_701delTCinsAT variant, located in coding exon 8 of the BRCA2 gene, results from an in-frame deletion of TC and insertion of AT at nucleotide positions 700 to 701. This results in the substitution of the serine residue for an isoleucine residue at codon 234, an amino acid with dissimilar properties. This amino acid position is well conserved in available vertebrate species. In addition, this variant is predicted to be neutral by in silico analysis (Choi Y et al. PLoS ONE. 2012; 7(10):e46688). Based on the available evidence, the clinical significance of this variant remains unclear.

NM_000059.4(BRCA2):c.700_701delinsAT (p.Ser234Ile)

Gene: BRCA2 (BRCA2 DNA repair associated; plus strand). Cytogenetic location: 13q13.1.
Variant type: Indel.
Coding change: c.700_701delinsAT on transcript NM_000059.4 (MANE Select); coding-DNA positions 700 to 701, TC replaced by AT.
Protein change: p.Ser234Ile; replaces serine 234 with isoleucine.
Molecular consequence: missense variant.
Genome position (GRCh38, 1-based): chr13:32,330,937-32,330,938, TC replaced by AT. VCF-style: chr13-32330937-TC-AT. GRCh37 (hg19) VCF-style: chr13-32905074-TC-AT.
Other names: short protein forms S234I.
Identifiers: ClinVar variation 826768 (VCV000826768.5), dbSNP rs1593890127, ClinGen allele CA915946947.